The following is an entry in ClinVar:

ClinVar aggregate classification (germline): Conflicting classifications of pathogenicity. Review status: criteria provided, conflicting classifications (1 of 4 stars). 4 submissions from 4 submitters: Uncertain significance (3); Likely benign (1). Last evaluated 2026-01-15.

Conditions:
Facial dysmorphism-immunodeficiency-livedo-short stature syndrome. Also called: Facial dysmorphism, immunodeficiency, livedo, and short stature; FILS syndrome. Identifiers: Orphanet 352712, MedGen C3554576, MONDO:0014058, OMIM 615139.
Colorectal cancer, susceptibility to, 12 (CRCS12). Also called: COLORECTAL CANCER, SUSCEPTIBILITY TO, ON CHROMOSOME 12q24. Identifiers: Orphanet 220460, MedGen C3554460, MONDO:0014038, OMIM 615083.
Intrauterine growth retardation, metaphyseal dysplasia, adrenal hypoplasia congenita, genital anomalies, and immunodeficiency. Also called: IMAGEI SYNDROME. Identifiers: MedGen C5193036, MONDO:0032684, OMIM 618336.
Hereditary cancer-predisposing syndrome. Also called: Neoplastic Syndromes, Hereditary; Hereditary Cancer Syndrome; Hereditary neoplastic syndrome; Tumor predisposition. Identifiers: Orphanet 140162, MedGen C0027672, MeSH D009386, MONDO:0015356.

Allele frequency attached by ClinVar (database versions not stated): gnomAD exomes 0.00002; TOPMed 0.00002; ExAC 0.00003; gnomAD 0.00003; 1000 Genomes Project 30x 0.00016; 1000 Genomes Project 0.00020.
gnomAD v4.1: 32 of 1,613,900 alleles (0.002%); highest among the groups gnomAD compares: African/African-American, 0.004%; no homozygotes.

Submissions (4):

Labcorp Genetics (formerly Invitae), Labcorp
Classification: Uncertain significance. Last evaluated: 2026-01-15. Review status: criteria provided, single submitter. Criteria: Invitae Variant Classification Sherloc (09022015). Collection method: clinical testing. Allele origin: germline.
Comment: This sequence change replaces alanine, which is neutral and non-polar, with valine, which is neutral and non-polar, at codon 2040 of the POLE protein (p.Ala2040Val). This variant is present in population databases (rs5745021, gnomAD 0.004%). This variant has not been reported in the literature in individuals affected with POLE-related conditions. ClinVar contains an entry for this variant (Variation ID: 540724). Invitae Evidence Modeling of protein sequence and biophysical properties (such as structural, functional, and spatial information, amino acid conservation, physicochemical variation, residue mobility, and thermodynamic stability) indicates that this missense variant is not expected to disrupt POLE protein function with a negative predictive value of 80%. In summary, the available evidence is currently insufficient to determine the role of this variant in disease. Therefore, it has been classified as a Variant of Uncertain Significance.

Ambry Genetics
Classification: Likely benign for Hereditary cancer-predisposing syndrome. Last evaluated: 2024-12-12. Review status: criteria provided, single submitter. Criteria: Ambry Variant Classification Scheme 2023. Collection method: clinical testing. Allele origin: germline.

Fulgent Genetics
Classification: Uncertain significance for Colorectal cancer, susceptibility to, 12; Facial dysmorphism-immunodeficiency-livedo-short stature syndrome; Intrauterine growth retardation, metaphyseal dysplasia, adrenal hypoplasia congenita, genital anomalies, and immunodeficiency. Last evaluated: 2024-05-29. Review status: criteria provided, single submitter. Criteria: ACMG Guidelines, 2015. Collection method: clinical testing. Allele origin: germline.

GeneDx
Classification: Uncertain significance. Last evaluated: 2024-01-22. Review status: criteria provided, single submitter. Criteria: GeneDx Variant Classification Process June 2021. Collection method: clinical testing. Allele origin: germline. Affected: yes.
Comment: In silico analysis supports that this missense variant does not alter protein structure/function; Has not been previously published as pathogenic or benign to our knowledge; This variant is associated with the following publications: (PMID: 29056344, 32627883, 37901334)

NM_006231.4(POLE):c.6119C>T (p.Ala2040Val)

Gene: POLE (DNA polymerase epsilon, catalytic subunit; minus strand). Cytogenetic location: 12q24.33.
Variant type: single nucleotide variant.
Coding change: c.6119C>T on transcript NM_006231.4 (MANE Select); coding-DNA position 6119, C replaced by T.
Protein change: p.Ala2040Val; replaces alanine 2040 with valine.
Molecular consequence: missense variant.
Genome position (GRCh38, 1-based): chr12:132,632,681, G>A on the plus strand (C>T on the coding strand, the complement: POLE is on the minus strand). VCF-style: chr12-132632681-G-A. GRCh37 (hg19) VCF-style: chr12-133209267-G-A.
Other names: c.6119C>T (NM_006231.2); short protein forms A2040V.
Identifiers: ClinVar variation 540724 (VCV000540724.17), dbSNP rs5745021, ClinGen allele CA6892276.